The following is an entry in ClinVar:

ClinVar aggregate classification (germline): Uncertain significance (1 of 4 stars; one submission).

Conditions:
Tuberous sclerosis 2 (TSC2). Identifiers: Orphanet 805, MedGen C1860707, MONDO:0013199, OMIM 613254.

Submission:

Labcorp Genetics (formerly Invitae), Labcorp
Classification: Uncertain significance for Tuberous sclerosis 2. Last evaluated: 2020-08-17. Review status: criteria provided, single submitter. Criteria: Invitae Variant Classification Sherloc (09022015). Collection method: clinical testing. Allele origin: germline.
Comment: In summary, the available evidence is currently insufficient to determine the role of this variant in disease. Therefore, it has been classified as a Variant of Uncertain Significance. Algorithms developed to predict the effect of missense changes on protein structure and function (SIFT, PolyPhen-2, Align-GVGD) all suggest that this variant is likely to be tolerated, but these predictions have not been confirmed by published functional studies and their clinical significance is uncertain. This variant has not been reported in the literature in individuals with TSC2-related conditions. This variant is not present in population databases (ExAC no frequency). This sequence change replaces valine with glycine at codon 1177 of the TSC2 protein (p.Val1177Gly). The valine residue is weakly conserved and there is a moderate physicochemical difference between valine and glycine.

NM_000548.5(TSC2):c.3530T>G (p.Val1177Gly)

Gene: TSC2 (TSC complex subunit 2; plus strand). Cytogenetic location: 16p13.3.
Variant type: single nucleotide variant.
Coding change: c.3530T>G on transcript NM_000548.5 (MANE Select); coding-DNA position 3530, T replaced by G.
Protein change: p.Val1177Gly; replaces valine 1177 with glycine.
Molecular consequence: missense variant.
Genome position (GRCh38, 1-based): chr16:2,080,297, T>G. VCF-style: chr16-2080297-T-G. GRCh37 (hg19) VCF-style: chr16-2130298-T-G.
Other names: c.3398T>G, p.Val1133Gly (NM_001077183.3, NM_001370404.1); c.3530T>G, p.Val1177Gly (NM_001114382.3); c.3290T>G, p.Val1097Gly (NM_001318827.2); c.3254T>G, p.Val1085Gly (NM_001318829.2); c.2798T>G, p.Val933Gly (NM_001318831.2); c.3431T>G, p.Val1144Gly (NM_001318832.2); c.3401T>G, p.Val1134Gly (NM_001363528.2, NM_001370405.1, NM_021055.3); short protein forms V1085G, V1097G, V1144G, V1133G, V1134G, V933G, V1177G.
Identifiers: ClinVar variation 937451 (VCV000937451.9), dbSNP rs1567504468, ClinGen allele CA394289393.